The following is an entry in ClinVar:

NM_017780.4(CHD7):c.1673C>T (p.Pro558Leu)

Genes: CHD7 (chromodomain helicase DNA binding protein 7; plus strand), LOC126860403 (CDK7 strongly-dependent group 2 enhancer GRCh37_chr8:61693034-61694233; plus strand). Cytogenetic location: 8q12.2.
Variant type: single nucleotide variant.
Coding change: c.1673C>T on transcript NM_017780.4 (MANE Select); coding-DNA position 1673, C replaced by T.
Protein change: p.Pro558Leu; replaces proline 558 with leucine.
Molecular consequence: missense variant.
Genome position (GRCh38, 1-based): chr8:60,781,007, C>T. VCF-style: chr8-60781007-C-T. GRCh37 (hg19) VCF-style: chr8-61693566-C-T.
Other names: c.1673C>T, p.Pro558Leu (NM_001316690.1); short protein forms P558L.
Identifiers: ClinVar variation 1695876 (VCV001695876.3), dbSNP rs777480283, ClinGen allele CA4759547.
Genomic context (GRCh38, chr8:60,781,007, plus strand): 5'-TCTTTACTGTGAAGAATGATAAACTAATTTCAATTCCTATTTGTGTCTCTCAGCATTCCC[C>T]GTCGGAGCCCTTTCTAGAGAAACCAGTGCCGGATATGACTCAGGTTAGTGGACCGAATGC-3'
Protein context (NP_060250.2, residues 548-568): PQKVPVHQHS[Pro558Leu]SEPFLEKPVP

ClinVar aggregate classification (germline): Uncertain significance. Review status: criteria provided, multiple submitters, no conflicts (2 of 4 stars). 2 submissions from 2 submitters: Uncertain significance (2). Last evaluated 2025-12-21.

Conditions:
CHARGE syndrome (CHARGE). Also called: Coloboma, heart anomaly, choanal atresia, retardation, genital and ear anomalies; CHARGE association; Hall-Hittner syndrome; Hittner Hirsch Kreh syndrome; CHARGE ASSOCIATION--COLOBOMA, HEART ANOMALY, CHOANAL ATRESIA, RETARDATION, GENITAL AND EAR ANOMALIES. Identifiers: Orphanet 138, MedGen C0265354, MONDO:0008965.

Allele frequency attached by ClinVar (database versions not stated): TOPMed 0.00001; gnomAD 0.00003.
gnomAD v4.1: 23 of 1,551,284 alleles (0.0015%); highest among the groups gnomAD compares: East Asian, 0.0068%; no homozygotes.

Submissions (2):

Labcorp Genetics (formerly Invitae), Labcorp
Classification: Uncertain significance for CHARGE syndrome. Last evaluated: 2025-12-21. Review status: criteria provided, single submitter. Criteria: Invitae Variant Classification Sherloc (09022015). Collection method: clinical testing. Allele origin: germline.
Comment: This sequence change replaces proline, which is neutral and non-polar, with leucine, which is neutral and non-polar, at codon 558 of the CHD7 protein (p.Pro558Leu). This variant is present in population databases (rs777480283, gnomAD 0.01%). This variant has not been reported in the literature in individuals affected with CHD7-related conditions. ClinVar contains an entry for this variant (Variation ID: 1695876). Invitae Evidence Modeling of protein sequence and biophysical properties (such as structural, functional, and spatial information, amino acid conservation, physicochemical variation, residue mobility, and thermodynamic stability) has been performed for this missense variant. However, the output from this modeling did not meet the statistical confidence thresholds required to predict the impact of this variant on CHD7 protein function. In summary, the available evidence is currently insufficient to determine the role of this variant in disease. Therefore, it has been classified as a Variant of Uncertain Significance.

GeneDx
Classification: Uncertain significance. Last evaluated: 2022-01-11. Review status: criteria provided, single submitter. Criteria: GeneDx Variant Classification Process June 2021. Collection method: clinical testing. Allele origin: germline. Affected: yes.
Comment: In silico analysis supports that this missense variant has a deleterious effect on protein structure/function; Missense variant in a gene in which most reported pathogenic variants are truncating/loss-of-function; Has not been previously published as pathogenic or benign to our knowledge